The following is an entry in ClinVar:

NM_014844.5(TECPR2):c.3075+1G>A

Gene: TECPR2 (tectonin beta-propeller repeat containing 2; plus strand). Cytogenetic location: 14q32.31.
Variant type: single nucleotide variant.
Coding change: c.3075+1G>A on transcript NM_014844.5 (MANE Select); the canonical splice donor site of the intron after coding-DNA position 3075, G replaced by A.
Molecular consequence: splice donor variant.
Genome position (GRCh38, 1-based): chr14:102,445,948, G>A. VCF-style: chr14-102445948-G-A. GRCh37 (hg19) VCF-style: chr14-102912285-G-A.
Other names: c.3075+1G>A (NM_001172631.3).
Identifiers: ClinVar variation 2777322 (VCV002777322.3), dbSNP rs2504446531, ClinGen allele CA391067851.

ClinVar aggregate classification (germline): Likely pathogenic (1 of 4 stars; one submission).

Conditions:
Hereditary spastic paraplegia 49 (HSAN9). Also called: TECPR2-Related Hereditary Sensory and Autonomic Neuropathy with Intellectual Disability; NEUROPATHY, HEREDITARY SENSORY AND AUTONOMIC, TYPE IX, WITH DEVELOPMENTAL DELAY; Spastic paraplegia 49, autosomal recessive. Identifiers: Orphanet 320385, MedGen C5190860, MONDO:0014016, OMIM 615031.

Allele frequency attached by ClinVar (database versions not stated): gnomAD exomes below 0.00001.
gnomAD v4.1: 1 of 1,613,768 alleles (0.000062%); highest among the groups gnomAD compares: Non-Finnish European, 0.000085%; no homozygotes.

Submission:

Labcorp Genetics (formerly Invitae), Labcorp
Classification: Likely pathogenic for Hereditary spastic paraplegia 49. Last evaluated: 2023-06-15. Review status: criteria provided, single submitter. Criteria: Invitae Variant Classification Sherloc (09022015). Collection method: clinical testing. Allele origin: germline.
Comment: In summary, the currently available evidence indicates that the variant is pathogenic, but additional data are needed to prove that conclusively. Therefore, this variant has been classified as Likely Pathogenic. Algorithms developed to predict the effect of sequence changes on RNA splicing suggest that this variant may disrupt the consensus splice site. This variant has not been reported in the literature in individuals affected with TECPR2-related conditions. This variant is not present in population databases (gnomAD no frequency). This sequence change affects a donor splice site in intron 13 of the TECPR2 gene. It is expected to disrupt RNA splicing. Variants that disrupt the donor or acceptor splice site typically lead to a loss of protein function (PMID: 16199547), and loss-of-function variants in TECPR2 are known to be pathogenic (PMID: 23176824, 25590979).

Literature cited by the submitters: PubMed 16199547; PubMed 23176824; PubMed 25590979.